The following is an entry in ClinVar:

ClinVar aggregate classification (germline): Uncertain significance (1 of 4 stars; one submission).

Conditions:
Hereditary cancer-predisposing syndrome. Also called: Neoplastic Syndromes, Hereditary; Hereditary neoplastic syndrome; Tumor predisposition; Hereditary Cancer Syndrome. Identifiers: Orphanet 140162, MedGen C0027672, MeSH D009386, MONDO:0015356.

Submission:

Ambry Genetics
Classification: Uncertain significance for Hereditary cancer-predisposing syndrome. Last evaluated: 2026-01-26. Review status: criteria provided, single submitter. Criteria: Ambry Variant Classification Scheme 2023. Collection method: clinical testing. Allele origin: germline.
Comment: The p.I1116T variant (also known as c.3347T>C), located in coding exon 20 of the ALK gene, results from a T to C substitution at nucleotide position 3347. The isoleucine at codon 1116 is replaced by threonine, an amino acid with similar properties. This amino acid position is highly conserved in available vertebrate species. In addition, this alteration is predicted to be deleterious by in silico analysis. Based on the available evidence, the clinical significance of this variant remains unclear.

NM_004304.5(ALK):c.3347T>C (p.Ile1116Thr)

Gene: ALK (ALK receptor tyrosine kinase; minus strand). Cytogenetic location: 2p23.2.
Variant type: single nucleotide variant.
Coding change: c.3347T>C on transcript NM_004304.5 (MANE Select); coding-DNA position 3347, T replaced by C.
Protein change: p.Ile1116Thr; replaces isoleucine 1116 with threonine.
Molecular consequence: missense variant.
Genome position (GRCh38, 1-based): chr2:29,223,354, A>G on the plus strand (T>C on the coding strand, the complement: ALK is on the minus strand). VCF-style: chr2-29223354-A-G. GRCh37 (hg19) VCF-style: chr2-29446220-A-G.
Other names: c.143T>C, p.Ile48Thr (NM_001353765.2); short protein forms I1116T, I48T.
Identifiers: ClinVar variation 4824814 (VCV004824814.1).